The following is an entry in ClinVar:

NM_001271.4(CHD2):c.1897_1898del (p.Leu633fs)

Gene: CHD2 (chromodomain helicase DNA binding protein 2; plus strand). Cytogenetic location: 15q26.1.
Variant type: Microsatellite.
Coding change: c.1897_1898del on transcript NM_001271.4 (MANE Select); coding-DNA positions 1897 to 1898, 2 bases deleted (CT; older notation c.1897_1898delCT).
Protein change: p.Leu633fs; shifts the reading frame from leucine 633.
Molecular consequence: frameshift variant.
Genome position (GRCh38, 1-based): chr15:92,956,546-92,956,547, CT deleted; deleting any 2 consecutive bases within chr15:92,956,544-92,956,547 gives the same sequence; the c. name uses the placement nearest the transcript's 3' end. VCF-style (leftmost placement, unchanged base first): chr15-92956543-ACT-A. GRCh37 (hg19) VCF-style: chr15-93499773-ACT-A.
Other names: short protein forms L633fs.
Identifiers: ClinVar variation 864189 (VCV000864189.9), dbSNP rs2053619257, ClinGen allele CA916083453.

ClinVar aggregate classification (germline): Pathogenic. Review status: criteria provided, multiple submitters, no conflicts (2 of 4 stars). 2 submissions from 2 submitters: Pathogenic (2). Last evaluated 2026-02-05.

Conditions:
Developmental and epileptic encephalopathy 94 (DEE94). Also called: CHD2-Related Neurodevelopmental Disorders; Epileptic encephalopathy, childhood-onset. Identifiers: Orphanet 1942, Orphanet 2382, MedGen C3809278, MONDO:0014150, OMIM 615369.

Submissions (2):

GeneDx
Classification: Pathogenic. Last evaluated: 2026-02-05. Review status: criteria provided, single submitter. Criteria: GeneDx Variant Classification Process June 2021. Collection method: clinical testing. Allele origin: germline.
Comment: Frameshift variant predicted to result in protein truncation or nonsense mediated decay in a gene for which loss of function is a known mechanism of disease; Not observed at significant frequency in large population cohorts (gnomAD); This variant is associated with the following publications: (PMID: 29455050)

Labcorp Genetics (formerly Invitae), Labcorp
Classification: Pathogenic for Developmental and epileptic encephalopathy 94. Last evaluated: 2025-03-16. Review status: criteria provided, single submitter. Criteria: Invitae Variant Classification Sherloc (09022015). Collection method: clinical testing. Allele origin: germline.
Comment: This sequence change creates a premature translational stop signal (p.Leu633Aspfs*2) in the CHD2 gene. It is expected to result in an absent or disrupted protein product. Loss-of-function variants in CHD2 are known to be pathogenic (PMID: 23708187, 24207121). This variant is not present in population databases (gnomAD no frequency). This variant has not been reported in the literature in individuals affected with CHD2-related conditions. ClinVar contains an entry for this variant (Variation ID: 864189). For these reasons, this variant has been classified as Pathogenic.

Literature cited by the submitters: PubMed 23708187 (cited by Labcorp Genetics (formerly Invitae), Labcorp); PubMed 24207121 (cited by Labcorp Genetics (formerly Invitae), Labcorp).